The following is an entry in ClinVar:

NM_031263.4(HNRNPK):c.464T>C (p.Leu155Pro)

Genes: HNRNPK (heterogeneous nuclear ribonucleoprotein K; minus strand), HNRNPK-AS1 (HNRNPK antisense RNA 1; plus strand). Cytogenetic location: 9q21.32.
Variant type: single nucleotide variant.
Coding change: c.464T>C on transcript NM_031263.4 (MANE Select); coding-DNA position 464, T replaced by C.
Protein change: p.Leu155Pro; replaces leucine 155 with proline.
Molecular consequence: missense variant.
Genome position (GRCh38, 1-based): chr9:83,973,338, A>G on the plus strand (T>C on the coding strand, the complement: HNRNPK is on the minus strand). VCF-style: chr9-83973338-A-G. GRCh37 (hg19) VCF-style: chr9-86588253-A-G.
Other names: c.392T>C, p.Leu131Pro (NM_001318186.2, NM_001318187.2); c.464T>C, p.Leu155Pro (NM_001318188.2, NM_002140.5, NM_031262.4); short protein forms L155P, L131P.
Identifiers: ClinVar variation 625163 (VCV000625163.5), dbSNP rs1564063967, ClinGen allele CA373927326.

ClinVar aggregate classification (germline): Pathogenic. Review status: criteria provided, single submitter (1 of 4 stars). 3 submissions from 3 submitters: Pathogenic (1). 2 of the submissions do not count toward it. Last evaluated 2020-10-23.

Conditions:
Au-Kline syndrome. Also called: Okamoto syndrome; Neurodevelopmental disorder-craniofacial dysmorphism-cardiac defect-hip dysplasia syndrome due to a point mutation. Identifiers: Orphanet 2729, Orphanet 453499, Orphanet 453504, MedGen C4225274, MONDO:0014700, OMIM 616580.

Submissions (3):

Institute of Medical Genetics and Applied Genomics, University Hospital Tübingen
Classification: Pathogenic. Last evaluated: 2020-10-23. Review status: criteria provided, single submitter. Criteria: ACMG Guidelines, 2015. Collection method: clinical testing. Allele origin: germline. Inheritance: Unknown mechanism. Affected: yes.

OMIM
Classification: Pathogenic for AU-KLINE SYNDROME. Last evaluated: 2019-04-09. Review status: no assertion criteria provided. Collection method: literature only. Allele origin: germline. Not counted in ClinVar's aggregate classification.

GeneReviews
No classification provided. Condition: Au-Kline syndrome. Review status: no classification provided. Collection method: literature only. Allele origin: germline. Not counted in ClinVar's aggregate classification.
Comment: It is not clear if this variant leads to reduction or loss of function.

Literature cited by the submitters: PubMed 28771707 (cited by OMIM and GeneReviews); PubMed 30998304 (cited by GeneReviews).